The following is an entry in ClinVar:

NM_017775.4(TTC19):c.1078A>T (p.Ile360Phe)

Gene: TTC19 (tetratricopeptide repeat domain 19; plus strand). Cytogenetic location: 17p12.
Variant type: single nucleotide variant.
Coding change: c.1078A>T on transcript NM_017775.4 (MANE Select); coding-DNA position 1078, A replaced by T.
Protein change: p.Ile360Phe; replaces isoleucine 360 with phenylalanine.
Molecular consequence: missense variant.
Genome position (GRCh38, 1-based): chr17:16,027,457, A>T. VCF-style: chr17-16027457-A-T. GRCh37 (hg19) VCF-style: chr17-15930771-A-T.
Other names: c.757A>T, p.Ile253Phe (NM_001271420.2); short protein forms I253F, I360F.
Identifiers: ClinVar variation 1405165 (VCV001405165.6), dbSNP rs762661182, ClinGen allele CA398379099.
Genomic context (GRCh38, chr17:16,027,457, plus strand): 5'-ATCTACCAGGAAGCACTGAAGCAAGCAAAGCTGAAAAAAGATGAAATTTCTGTACAACAC[A>T]TCAGGGAAGAGTTGGCTGAGCTGTCAAAGAAAAGTAGACCTTTGACAAATTCTGTCAAGC-3'
Protein context (NP_060245.3, residues 350-370): LKKDEISVQH[Ile360Phe]REELAELSKK

ClinVar aggregate classification (germline): Uncertain significance (1 of 4 stars; one submission).

gnomAD v4.1: 1 of 1,614,108 alleles (0.000062%); highest among the groups gnomAD compares: Non-Finnish European, 0.000085%; no homozygotes.

Submission:

Labcorp Genetics (formerly Invitae), Labcorp
Classification: Uncertain significance. Last evaluated: 2021-12-02. Review status: criteria provided, single submitter. Criteria: Invitae Variant Classification Sherloc (09022015). Collection method: clinical testing. Allele origin: germline.
Comment: This variant is not present in population databases (gnomAD no frequency). This sequence change replaces isoleucine, which is neutral and non-polar, with phenylalanine, which is neutral and non-polar, at codon 360 of the TTC19 protein (p.Ile360Phe). This variant has not been reported in the literature in individuals affected with TTC19-related conditions. In summary, the available evidence is currently insufficient to determine the role of this variant in disease. Therefore, it has been classified as a Variant of Uncertain Significance. Algorithms developed to predict the effect of missense changes on protein structure and function are either unavailable or do not agree on the potential impact of this missense change (SIFT: "Tolerated"; PolyPhen-2: "Probably Damaging"; Align-GVGD: "Class C0").